The following is an entry in ClinVar:

NM_006361.6(HOXB13):c.41A>C (p.Asp14Ala)

Gene: HOXB13 (homeobox B13; minus strand). Cytogenetic location: 17q21.32.
Variant type: single nucleotide variant.
Coding change: c.41A>C on transcript NM_006361.6 (MANE Select); coding-DNA position 41, A replaced by C.
Protein change: p.Asp14Ala; replaces aspartic acid 14 with alanine.
Molecular consequence: missense variant.
Genome position (GRCh38, 1-based): chr17:48,728,553, T>G on the plus strand (A>C on the coding strand, the complement: HOXB13 is on the minus strand). VCF-style: chr17-48728553-T-G. GRCh37 (hg19) VCF-style: chr17-46805915-T-G.
Other names: short protein forms D14A.
Identifiers: ClinVar variation 4772244 (VCV004772244.1).
Genomic context (GRCh38, chr17:48,728,553, plus strand): 5'-GTCAGAGGGGAGTGGGCGACCAGATTCCGCCCCCCTCCCGCTCCCAGCAAGCCTTCGATA[T>G]CCTTGGCTCCATCCAAGGTGGCATAATTGCCGGGCTCCATGGAGCCGAGGGTCGGCTCAT-3'
Protein context (NP_006352.2, residues 4-24): GNYATLDGAK[Asp14Ala]IEGLLGAGGG

ClinVar aggregate classification (germline): Uncertain significance (1 of 4 stars; one submission).

Submission:

Labcorp Genetics (formerly Invitae), Labcorp
Classification: Uncertain significance. Last evaluated: 2025-08-18. Review status: criteria provided, single submitter. Criteria: Invitae Variant Classification Sherloc (09022015). Collection method: clinical testing. Allele origin: germline.
Comment: This sequence change replaces aspartic acid, which is acidic and polar, with alanine, which is neutral and non-polar, at codon 14 of the HOXB13 protein (p.Asp14Ala). This variant is not present in population databases (gnomAD no frequency). This variant has not been reported in the literature in individuals affected with HOXB13-related conditions. An algorithm developed to predict the effect of missense changes on protein structure and function (PolyPhen-2) suggests that this variant is likely to be tolerated. In summary, the available evidence is currently insufficient to determine the role of this variant in disease. Therefore, it has been classified as a Variant of Uncertain Significance.